The following is an entry in ClinVar:

ClinVar aggregate classification (germline): Likely benign. Review status: criteria provided, multiple submitters, no conflicts (2 of 4 stars). 3 submissions from 3 submitters: Likely benign (3). Last evaluated 2026-05-07.

Conditions:
TMEM67-related disorder. Also called: TMEM67-related condition; TMEM67-related disorders. Identifiers: MedGen CN239423.
Joubert syndrome. Also called: Familial aplasia of the vermis; JOUBERT-BOLTSHAUSER SYNDROME. Identifiers: Orphanet 475, MedGen C5979921, MONDO:0018772.
Meckel-Gruber syndrome. Also called: Dysencephalia splachnocystica; DYSENCEPHALIA SPLANCHNOCYSTICA; GRUBER SYNDROME. Identifiers: Orphanet 564, MedGen C0265215, MONDO:0018921.

Allele frequency attached by ClinVar (database versions not stated): gnomAD exomes below 0.00001; TOPMed 0.00001.
gnomAD v4.1: 2 of 1,607,812 alleles (0.00012%); highest among the groups gnomAD compares: Middle Eastern, 0.017%; no homozygotes.

Submissions (3):

PreventionGenetics, part of Exact Sciences
Classification: Likely benign for TMEM67-related condition. Last evaluated: 2026-05-07. Review status: criteria provided, single submitter. Criteria: ACMG Guidelines, 2015. Collection method: clinical testing. Allele origin: germline.
Comment: This variant is classified as likely benign based on ACMG/AMP sequence variant interpretation guidelines (Richards et al. 2015 PMID: 25741868, with internal and published modifications).

Labcorp Genetics (formerly Invitae), Labcorp
Classification: Likely benign for Joubert syndrome; Meckel-Gruber syndrome. Last evaluated: 2023-10-04. Review status: criteria provided, single submitter. Criteria: Invitae Variant Classification Sherloc (09022015). Collection method: clinical testing. Allele origin: germline.

Blueprint Genetics
Classification: Likely benign. Last evaluated: 2023-04-13. Review status: criteria provided, single submitter. Criteria: ACMG Guidelines, 2015. Collection method: clinical testing. Allele origin: germline.

NM_153704.6(TMEM67):c.2388G>C (p.Gly796=)

Gene: TMEM67 (transmembrane protein 67; plus strand). Cytogenetic location: 8q22.1.
Variant type: single nucleotide variant.
Coding change: c.2388G>C on transcript NM_153704.6 (MANE Select); coding-DNA position 2388, G replaced by C.
Protein change: p.Gly796=; no amino-acid change (glycine 796 retained).
Molecular consequence: synonymous variant. On other transcripts: non-coding transcript variant (1).
Genome position (GRCh38, 1-based): chr8:93,804,827, G>C. VCF-style: chr8-93804827-G-C. GRCh37 (hg19) VCF-style: chr8-94817055-G-C.
Other names: c.2145G>C, p.Gly715= (NM_001142301.1); c.2388G>C (NM_153704.5).
Identifiers: ClinVar variation 1562626 (VCV001562626.10), dbSNP rs1586083001, ClinGen allele CA461867195.